The following is an entry in ClinVar:

NM_001267550.2(TTN):c.53649G>C (p.Trp17883Cys)

Genes: TTN (titin; minus strand), TTN-AS1 (TTN antisense RNA 1; plus strand). Cytogenetic location: 2q31.2.
Variant type: single nucleotide variant.
Coding change: c.53649G>C on transcript NM_001267550.2 (MANE Select); coding-DNA position 53649, G replaced by C.
Protein change: p.Trp17883Cys; replaces tryptophan 17883 with cysteine.
Molecular consequence: missense variant.
Genome position (GRCh38, 1-based): chr2:178,605,646, C>G on the plus strand (G>C on the coding strand, the complement: TTN is on the minus strand). VCF-style: chr2-178605646-C-G. GRCh37 (hg19) VCF-style: chr2-179470373-C-G.
Other names: c.48726G>C, p.Trp16242Cys (NM_001256850.1); c.26454G>C, p.Trp8818Cys (NM_003319.4); c.45945G>C, p.Trp15315Cys (NM_133378.4); c.26829G>C, p.Trp8943Cys (NM_133432.3); c.27030G>C, p.Trp9010Cys (NM_133437.4); short protein forms W15315C, W16242C, W17883C, W8818C, W8943C, W9010C.
Identifiers: ClinVar variation 3352467 (VCV003352467.1).

ClinVar aggregate classification (germline): Uncertain significance (0 of 4 stars; one submission).

Conditions:
TTN-related disorder. Also called: TTN-related condition; TTN-related disease; TTN-related disorders.

gnomAD v4.1: 1 of 1,610,362 alleles (0.000062%); highest among the groups gnomAD compares: Admixed American, 0.0017%; no homozygotes.

Submission:

PreventionGenetics, part of Exact Sciences
Classification: Uncertain significance for TTN-related condition. Last evaluated: 2024-07-22. Review status: no assertion criteria provided. Collection method: clinical testing. Allele origin: germline.
Comment: The TTN c.53649G>C variant is predicted to result in the amino acid substitution p.Trp17883Cys. To our knowledge, this variant has not been reported in the literature or in a large population database, indicating this variant is rare. At this time, the clinical significance of this variant is uncertain due to the absence of conclusive functional and genetic evidence.